The following is an entry in ClinVar:

ClinVar aggregate classification (germline): Uncertain significance (1 of 4 stars; one submission).

Submission:

GeneDx
Classification: Uncertain significance. Last evaluated: 2024-06-26. Review status: criteria provided, single submitter. Criteria: GeneDx Variant Classification Process June 2021. Collection method: clinical testing. Allele origin: germline. Affected: yes.
Comment: Not observed at significant frequency in large population cohorts (gnomAD); In silico analysis supports that this missense variant has a deleterious effect on protein structure/function; Has not been previously published as pathogenic or benign to our knowledge

NM_001077415.3(CRELD1):c.976G>A (p.Gly326Ser)

Gene: CRELD1 (cysteine rich with EGF like domains 1; plus strand). Cytogenetic location: 3p25.3.
Variant type: single nucleotide variant.
Coding change: c.976G>A on transcript NM_001077415.3 (MANE Select); coding-DNA position 976, G replaced by A.
Protein change: p.Gly326Ser; replaces glycine 326 with serine.
Molecular consequence: missense variant. On other transcripts: non-coding transcript variant (3).
Genome position (GRCh38, 1-based): chr3:9,943,443, G>A. VCF-style: chr3-9943443-G-A. GRCh37 (hg19) VCF-style: chr3-9985127-G-A.
Other names: c.976G>A, p.Gly326Ser (NM_001031717.4, NM_001374316.1, NM_001374317.1 and 3 more transcripts); c.892G>A, p.Gly298Ser (NM_001374319.1, NM_001374320.1); short protein forms G298S, G326S.
Identifiers: ClinVar variation 3392641 (VCV003392641.1).